The following is an entry in ClinVar:

NM_001101362.3(KBTBD13):c.361G>C (p.Val121Leu)

Gene: KBTBD13 (kelch repeat and BTB domain containing 13; plus strand). Cytogenetic location: 15q22.31.
Variant type: single nucleotide variant.
Coding change: c.361G>C on transcript NM_001101362.3 (MANE Select); coding-DNA position 361, G replaced by C.
Protein change: p.Val121Leu; replaces valine 121 with leucine.
Molecular consequence: missense variant.
Genome position (GRCh38, 1-based): chr15:65,077,176, G>C. VCF-style: chr15-65077176-G-C. GRCh37 (hg19) VCF-style: chr15-65369514-G-C.
Other names: short protein forms V121L.
Identifiers: ClinVar variation 464355 (VCV000464355.16), dbSNP rs201466173, ClinGen allele CA271503481.

ClinVar aggregate classification (germline): Conflicting classifications of pathogenicity. Review status: criteria provided, conflicting classifications (1 of 4 stars). 4 submissions from 4 submitters: Uncertain significance (2); Likely benign (1). 1 of the submissions does not count toward it. Last evaluated 2026-01-06.

Conditions:
Nemaline myopathy 6 (NEM6). Also called: Nemaline myopathy 6, autosomal dominant. Identifiers: Orphanet 171439, MedGen C1836472, MONDO:0012237, OMIM 609273.
Inborn genetic diseases. Identifiers: MedGen C0950123, MeSH D030342.
KBTBD13-related disorder. Also called: KBTBD13-related condition.

Allele frequency attached by ClinVar (database versions not stated): 1000 Genomes Project 30x 0.00031.

Submissions (4):

Labcorp Genetics (formerly Invitae), Labcorp
Classification: Likely benign for Nemaline myopathy 6. Last evaluated: 2026-01-06. Review status: criteria provided, single submitter. Criteria: Invitae Variant Classification Sherloc (09022015). Collection method: clinical testing. Allele origin: germline.

Blueprint Genetics
Classification: Uncertain significance. Last evaluated: 2024-02-16. Review status: criteria provided, single submitter. Criteria: ACMG Guidelines, 2015. Collection method: clinical testing. Allele origin: germline.

Ambry Genetics
Classification: Uncertain significance for Inborn genetic diseases. Last evaluated: 2021-09-27. Review status: criteria provided, single submitter. Criteria: Ambry Variant Classification Scheme 2023. Collection method: clinical testing. Allele origin: germline.

PreventionGenetics, part of Exact Sciences
Classification: Likely benign for KBTBD13-related condition. Last evaluated: 2023-12-19. Review status: no assertion criteria provided. Collection method: clinical testing. Allele origin: germline. Not counted in ClinVar's aggregate classification.
Comment: This variant is classified as likely benign based on ACMG/AMP sequence variant interpretation guidelines (Richards et al. 2015 PMID: 25741868, with internal and published modifications).